The following is an entry in ClinVar:

NM_005917.4(MDH1):c.693C>T (p.Gly231=)

Genes: MDH1 (malate dehydrogenase 1; plus strand), WDPCP (WD repeat containing planar cell polarity effector; minus strand). Cytogenetic location: 2p15.
Variant type: single nucleotide variant.
Coding change: c.693C>T on transcript NM_005917.4 (MANE Select); coding-DNA position 693, C replaced by T.
Protein change: p.Gly231=; no amino-acid change (glycine 231 retained).
Molecular consequence: synonymous variant.
Genome position (GRCh38, 1-based): chr2:63,605,297, C>T. VCF-style: chr2-63605297-C-T. GRCh37 (hg19) VCF-style: chr2-63832431-C-T.
Other names: c.747C>T, p.Gly249= (NM_001199111.2); c.426C>T, p.Gly142= (NM_001199112.2); c.693C>T, p.Gly231= (NM_001316374.2).
Identifiers: ClinVar variation 4681499 (VCV004681499.5).
Genomic context (GRCh38, chr2:63,605,297, plus strand): 5'-CATGACCAAGTAATACTGCTGCCTTCACCTGCCCCCTTCCCAGACTGTGCAGCAGCGTGG[C>T]GCTGCTGTCATCAAGGCTCGAAAACTATCCAGTGCCATGTCTGCTGCAAAAGCCATCTGT-3'
Protein context (NP_005908.1, residues 221-241): GEFVTTVQQR[Gly231=]AAVIKARKLS

ClinVar aggregate classification (germline): Likely benign (1 of 4 stars; one submission).

gnomAD v4.1: 19 of 1,613,418 alleles (0.0012%); highest among the groups gnomAD compares: African/African-American, 0.004%; no homozygotes.

Submission:

CeGaT Center for Human Genetics Tuebingen
Classification: Likely benign. Last evaluated: 2025-12-01. Review status: criteria provided, single submitter. Criteria: CeGaT Center For Human Genetics Tuebingen Variant Classification Criteria Version 2. Collection method: clinical testing. Allele origin: germline. Affected: yes. Observed: 1 variant allele.
Comment: MDH1: BP4, BP7